The following is an entry in ClinVar:

ClinVar aggregate classification (germline): Likely benign. Review status: criteria provided, multiple submitters, no conflicts (2 of 4 stars). 2 submissions from 2 submitters: Likely benign (2). Last evaluated 2018-01-12.

Conditions:
Dilated cardiomyopathy 1DD (CMD1DD). Identifiers: Orphanet 154, MedGen C2750995, MONDO:0013168, OMIM 613172.

Allele frequency attached by ClinVar (database versions not stated): 1000 Genomes Project 30x 0.02389; 1000 Genomes Project 0.02456; TOPMed 0.03870; gnomAD 0.04099.

Submissions (2):

Illumina Laboratory Services, Illumina
Classification: Likely benign for Dilated cardiomyopathy 1DD. Last evaluated: 2018-01-12. Review status: criteria provided, single submitter. Criteria: ICSL Variant Classification Criteria 13 December 2019. Collection method: clinical testing. Allele origin: germline.
Comment: This variant was observed in the ICSL laboratory as part of a predisposition screen in an ostensibly healthy population. It had not been previously curated by ICSL or reported in the Human Gene Mutation Database (HGMD: prior to June 1st, 2018), and was therefore a candidate for classification through an automated scoring system. Utilizing variant allele frequency, disease prevalence and penetrance estimates, and inheritance mode, an automated score was calculated to assess if this variant is too frequent to cause the disease. Based on the score and internal cut-off values, a variant classified as likely benign is not then subjected to further curation. The score for this variant resulted in a classification of likely benign for this disease.

Breakthrough Genomics
Classification: Likely benign. Review status: criteria provided, single submitter. Criteria: ACMG Guidelines, 2015. Collection method: not provided. Allele origin: germline. Inheritance: Autosomal dominant inheritance. Affected: yes.

NM_001134363.3(RBM20):c.*552G>C

Gene: RBM20 (RNA binding motif protein 20; plus strand). Cytogenetic location: 10q25.2.
Variant type: single nucleotide variant.
Coding change: c.*552G>C on transcript NM_001134363.3 (MANE Select); 552 bases downstream of the stop codon, G replaced by C.
Molecular consequence: 3 prime UTR variant.
Genome position (GRCh38, 1-based): chr10:110,836,530, G>C. VCF-style: chr10-110836530-G-C. GRCh37 (hg19) VCF-style: chr10-112596288-G-C.
Other names: c.*552G>C (LRG_382t1).
Identifiers: ClinVar variation 298817 (VCV000298817.6), dbSNP rs74156303, ClinGen allele CA10630997.